The following is an entry in ClinVar:

ClinVar aggregate classification (germline): Uncertain significance. Review status: criteria provided, multiple submitters, no conflicts (2 of 4 stars). 2 submissions from 2 submitters: Uncertain significance (2). Last evaluated 2023-04-19.

Conditions:
Rhabdoid tumor predisposition syndrome 2 (RTPS2). Identifiers: Orphanet 231108, Orphanet 69077, MedGen C2750074, MONDO:0013224, OMIM 613325.
Hereditary cancer-predisposing syndrome. Also called: Hereditary neoplastic syndrome; Neoplastic Syndromes, Hereditary; Tumor predisposition; Hereditary Cancer Syndrome. Identifiers: Orphanet 140162, MedGen C0027672, MeSH D009386, MONDO:0015356.

Allele frequency attached by ClinVar (database versions not stated): gnomAD exomes below 0.00001; ExAC 0.00001.
gnomAD v4.1: 1 of 1,612,488 alleles (0.000062%); highest among the groups gnomAD compares: Non-Finnish European, 0.000085%; no homozygotes.

Submissions (2):

Ambry Genetics
Classification: Uncertain significance for Hereditary cancer-predisposing syndrome. Last evaluated: 2023-04-19. Review status: criteria provided, single submitter. Criteria: Ambry Variant Classification Scheme 2023. Collection method: clinical testing. Allele origin: germline.
Comment: The p.N259H variant (also known as c.775A>C), located in coding exon 4 of the SMARCA4 gene, results from an A to C substitution at nucleotide position 775. The asparagine at codon 259 is replaced by histidine, an amino acid with similar properties. This amino acid position is well conserved in available vertebrate species. In addition, this alteration is predicted to be tolerated by in silico analysis. Missense and in-frame variants in SMARCA4 are known to cause neurodevelopmental disorders; however, such associations with rhabdoid tumor predisposition syndrome including small cell carcinoma of the ovary-hypercalcemic type (SCCOHT) are exceedingly rare (Kosho T et al. Am J Med Genet C Semin Med Genet. 2014 Sep;166C(3):262-75; Jelinic P et al. Nat Genet. 2014 May;46(5):424-6). Based on the supporting evidence, the association of this alteration with Coffin-Siris syndrome is unknown; however, the association of this alteration with rhabdoid tumor predisposition syndrome is unlikely.

Labcorp Genetics (formerly Invitae), Labcorp
Classification: Uncertain significance for Rhabdoid tumor predisposition syndrome 2. Last evaluated: 2021-07-22. Review status: criteria provided, single submitter. Criteria: Invitae Variant Classification Sherloc (09022015). Collection method: clinical testing. Allele origin: germline.
Comment: In summary, this variant is a rare missense change with uncertain impact on protein function. There is no indication that it causes disease, but the available evidence is currently insufficient to prove that conclusively. Therefore, it has been classified as a Variant of Uncertain Significance. Algorithms developed to predict the effect of missense changes on protein structure and function do not agree on the potential impact of this missense change (SIFT: "Deleterious"; PolyPhen-2: "Possibly Damaging"; Align-GVGD: "Class C0"). This variant is present in population databases (rs764641221, ExAC 0.002%) but has not been reported in the literature in individuals with a SMARCA4-related disease. This sequence change replaces asparagine with histidine at codon 259 of the SMARCA4 protein (p.Asn259His). The asparagine residue is highly conserved and there is a small physicochemical difference between asparagine and histidine.

NM_003072.5(SMARCA4):c.775A>C (p.Asn259His)

Gene: SMARCA4 (SWI/SNF related BAF chromatin remodeling complex subunit ATPase 4; plus strand). Cytogenetic location: 19p13.2.
Variant type: single nucleotide variant.
Coding change: c.775A>C on transcript NM_003072.5 (MANE Select); coding-DNA position 775, A replaced by C.
Protein change: p.Asn259His; replaces asparagine 259 with histidine.
Molecular consequence: missense variant. On other transcripts: non-coding transcript variant (1).
Genome position (GRCh38, 1-based): chr19:10,986,919, A>C. VCF-style: chr19-10986919-A-C. GRCh37 (hg19) VCF-style: chr19-11097595-A-C.
Other names: c.775A>C, p.Asn259His (NM_001128844.3, NM_001128845.2, NM_001128846.2 and 5 more transcripts); short protein forms N259H.
Identifiers: ClinVar variation 470461 (VCV000470461.11), dbSNP rs764641221, ClinGen allele CA9203576.